The following is an entry in ClinVar:

ClinVar aggregate classification (germline): Uncertain significance. Review status: criteria provided, multiple submitters, no conflicts (2 of 4 stars). 4 submissions from 4 submitters: Uncertain significance (3). 1 of the submissions does not count toward it. Last evaluated 2025-07-28.

Conditions:
Inborn genetic diseases. Identifiers: MedGen C0950123, MeSH D030342.
Usher syndrome type 1 (USH1). Also called: RETINITIS PIGMENTOSA AND CONGENITAL DEAFNESS. Identifiers: Orphanet 231169, Orphanet 886, MedGen C1568247, MONDO:0010168, OMIM 276900.

Allele frequency attached by ClinVar (database versions not stated): gnomAD 0.00002 and 0.00003; TOPMed 0.00003; ExAC 0.00006; gnomAD exomes 0.00004 and 0.00006.

Submissions (4):

GeneDx
Classification: Uncertain significance. Last evaluated: 2025-07-28. Review status: criteria provided, single submitter. Criteria: GeneDx Variant Classification Process June 2021. Collection method: clinical testing. Allele origin: germline. Affected: yes.
Comment: In silico analysis suggests that this missense variant does not alter protein structure/function; Has not been previously published as pathogenic or benign to our knowledge

Ambry Genetics
Classification: Uncertain significance for Inborn genetic diseases. Last evaluated: 2024-12-04. Review status: criteria provided, single submitter. Criteria: Ambry Variant Classification Scheme 2023. Collection method: clinical testing. Allele origin: germline.

Labcorp Genetics (formerly Invitae), Labcorp
Classification: Uncertain significance. Last evaluated: 2022-08-08. Review status: criteria provided, single submitter. Criteria: Invitae Variant Classification Sherloc (09022015). Collection method: clinical testing. Allele origin: germline.
Comment: This sequence change replaces valine, which is neutral and non-polar, with methionine, which is neutral and non-polar, at codon 2929 of the CDH23 protein (p.Val2929Met). This variant is present in population databases (rs781604742, gnomAD 0.01%). This variant has not been reported in the literature in individuals affected with CDH23-related conditions. ClinVar contains an entry for this variant (Variation ID: 990958). Algorithms developed to predict the effect of missense changes on protein structure and function are either unavailable or do not agree on the potential impact of this missense change (SIFT: "Deleterious"; PolyPhen-2: "Not Available"; Align-GVGD: "Class C0"). In summary, the available evidence is currently insufficient to determine the role of this variant in disease. Therefore, it has been classified as a Variant of Uncertain Significance.

Natera, Inc.
Classification: Uncertain significance for Usher syndrome type 1. Last evaluated: 2020-04-17. Review status: no assertion criteria provided. Collection method: clinical testing. Allele origin: germline. Not counted in ClinVar's aggregate classification.

NM_022124.6(CDH23):c.8785G>A (p.Val2929Met)

Gene: CDH23 (cadherin related 23; plus strand). Cytogenetic location: 10q22.1.
Variant type: single nucleotide variant.
Coding change: c.8785G>A on transcript NM_022124.6 (MANE Select); coding-DNA position 8785, G replaced by A.
Protein change: p.Val2929Met; replaces valine 2929 with methionine.
Molecular consequence: missense variant.
Genome position (GRCh38, 1-based): chr10:71,809,882, G>A. VCF-style: chr10-71809882-G-A. GRCh37 (hg19) VCF-style: chr10-73569639-G-A.
Other names: c.2065G>A, p.Val689Met (NM_001171933.1, NM_001171934.1); c.8785G>A (NM_022124.5); short protein forms V2929M, V689M.
Identifiers: ClinVar variation 990958 (VCV000990958.7), dbSNP rs781604742, ClinGen allele CA5546754.
Genomic context (GRCh38, chr10:71,809,882, plus strand): 5'-AGCATGGACGGCATTCTGCGCACCTTCGACCTCTTCATGGCCTACAGCCCCGGCTACTTC[G>A]TGGTGGACATTGTGGCCCGAGACCTGGCAGGCCACAACGACACGGCCATCATCGGCATCT-3'
Protein context (NP_071407.4, residues 2919-2939): LFMAYSPGYF[Val2929Met]VDIVARDLAG